The following is an entry in ClinVar:

NM_178140.4(PDZD2):c.7066G>A (p.Gly2356Arg)

Gene: PDZD2 (PDZ domain containing 2; plus strand). Cytogenetic location: 5p13.3.
Variant type: single nucleotide variant.
Coding change: c.7066G>A on transcript NM_178140.4 (MANE Select); coding-DNA position 7066, G replaced by A.
Protein change: p.Gly2356Arg; replaces glycine 2356 with arginine.
Molecular consequence: missense variant.
Genome position (GRCh38, 1-based): chr5:32,090,514, G>A. VCF-style: chr5-32090514-G-A. GRCh37 (hg19) VCF-style: chr5-32090620-G-A.
Other names: short protein forms G2356R.
Identifiers: ClinVar variation 3037261 (VCV003037261.2), dbSNP rs139966462, ClinGen allele CA3220245.

ClinVar aggregate classification (germline): Likely benign (0 of 4 stars; one submission).

Conditions:
PDZD2-related disorder. Also called: PDZD2-related condition.

Allele frequency attached by ClinVar (database versions not stated): 1000 Genomes Project 30x 0.00094; 1000 Genomes Project 0.00100; TOPMed 0.00158; gnomAD 0.00177; ESP Exome Variant Server 0.00231; ExAC 0.00237; gnomAD exomes 0.00242.
gnomAD v4.1: 3,767 of 1,613,926 alleles (0.23%); highest among the groups gnomAD compares: Non-Finnish European, 0.28%; 9 homozygotes.

Submission:

PreventionGenetics, part of Exact Sciences
Classification: Likely benign for PDZD2-related condition. Last evaluated: 2019-03-04. Review status: no assertion criteria provided. Collection method: clinical testing. Allele origin: germline.
Comment: This variant is classified as likely benign based on ACMG/AMP sequence variant interpretation guidelines (Richards et al. 2015 PMID: 25741868, with internal and published modifications).